The following is an entry in ClinVar:

NM_172107.4(KCNQ2):c.1006G>A (p.Ala336Thr)

Gene: KCNQ2 (potassium voltage-gated channel subfamily Q member 2; minus strand). Cytogenetic location: 20q13.33.
Variant type: single nucleotide variant.
Coding change: c.1006G>A on transcript NM_172107.4 (MANE Select); coding-DNA position 1006, G replaced by A.
Protein change: p.Ala336Thr; replaces alanine 336 with threonine.
Molecular consequence: missense variant.
Genome position (GRCh38, 1-based): chr20:63,438,642, C>T on the plus strand (G>A on the coding strand, the complement: KCNQ2 is on the minus strand). VCF-style: chr20-63438642-C-T. GRCh37 (hg19) VCF-style: chr20-62069995-C-T.
Other names: c.1006G>A, p.Ala336Thr (NM_001382235.1, NM_001439003.1, NM_001439004.1 and 4 more transcripts); short protein forms A336T.
Identifiers: ClinVar variation 4856160 (VCV004856160.1).

ClinVar aggregate classification (germline): Likely pathogenic (1 of 4 stars; one submission).

Conditions:
Developmental and epileptic encephalopathy, 7 (DEE7). Also called: KCNQ2-Related Neonatal-Onset Developmental and Epileptic Encephalopathy (NEO-DEE); Early infantile epileptic encephalopathy 7; KCNQ2-Related Neonatal Epileptic Encephalopathy. Identifiers: Orphanet 439218, MedGen C3150986, MONDO:0013387, OMIM 613720.

Submission:

3billion
Classification: Likely pathogenic for Developmental and epileptic encephalopathy, 7. Last evaluated: 2025-11-14. Review status: criteria provided, single submitter. Criteria: ACMG Guidelines, 2015. Collection method: clinical testing. Allele origin: germline. Affected: yes.
Comment: The variant is not observed in the gnomAD v4.1.0 dataset. Predicted Consequence/Location: The variant is located in a mutational hot spot and/or well-established functional domain in which established pathogenic variants have been reported. In silico tool predictions suggest damaging effect of the variant on gene or gene product [REVEL: 0.82 (>=0.6, sensitivity 0.68 and specificity 0.92); 3Cnet: 1.00 (> 0.75, sensitivity 0.96 and precision 0.92)]. A different missense change at the same codon (p.Ala336Val) has been reported to be associated with KCNQ2-related disorder (ClinVar ID: VCV001202917 /PMID: 39832895). Therefore, this variant is classified as Likely pathogenic according to the recommendation of ACMG/AMP guideline.

Literature cited by the submitters: PubMed 39832895.